The following is an entry in ClinVar:

NM_001040108.2(MLH3):c.2255G>T (p.Gly752Val)

Gene: MLH3 (mutL homolog 3; minus strand). Cytogenetic location: 14q24.3.
Variant type: single nucleotide variant.
Coding change: c.2255G>T on transcript NM_001040108.2 (MANE Select); coding-DNA position 2255, G replaced by T.
Protein change: p.Gly752Val; replaces glycine 752 with valine.
Molecular consequence: missense variant.
Genome position (GRCh38, 1-based): chr14:75,047,401, C>A on the plus strand (G>T on the coding strand, the complement: MLH3 is on the minus strand). VCF-style: chr14-75047401-C-A. GRCh37 (hg19) VCF-style: chr14-75514104-C-A.
Other names: c.2255G>T, p.Gly752Val (NM_014381.3); short protein forms G752V.
Identifiers: ClinVar variation 2623591 (VCV002623591.2), dbSNP rs944842929, ClinGen allele CA390441106.

ClinVar aggregate classification (germline): Uncertain significance (1 of 4 stars; one submission).

gnomAD v4.1: 2 of 1,614,090 alleles (0.00012%); highest among the groups gnomAD compares: Non-Finnish European, 0.00017%; no homozygotes.

Submission:

Ambry Genetics
Classification: Uncertain significance. Last evaluated: 2023-08-11. Review status: criteria provided, single submitter. Criteria: Ambry Variant Classification Scheme 2023. Collection method: clinical testing. Allele origin: germline.
Comment: The p.G752V variant (also known as c.2255G>T), located in coding exon 1 of the MLH3 gene, results from a G to T substitution at nucleotide position 2255. The glycine at codon 752 is replaced by valine, an amino acid with dissimilar properties. This amino acid position is conserved. In addition, this alteration is predicted to be tolerated by in silico analysis. Since supporting evidence is limited at this time, the clinical significance of this alteration remains unclear.